The following is an entry in ClinVar:

ClinVar aggregate classification (germline): Uncertain significance (1 of 4 stars; one submission).

Allele frequency attached by ClinVar (database versions not stated): gnomAD exomes below 0.00001.
gnomAD v4.1: 1 of 1,614,100 alleles (0.000062%); highest among the groups gnomAD compares: Non-Finnish European, 0.000085%; no homozygotes.

Submission:

Department of Human Genetics, University Hospital Magdeburg
Classification: Uncertain significance. Last evaluated: 2020-07-09. Review status: criteria provided, single submitter. Criteria: ACMG Guidelines, 2015. Collection method: clinical testing. Allele origin: maternal. Inheritance: Autosomal dominant inheritance. Observed: 1 variant allele.

NM_144670.6(A2ML1):c.2527T>G (p.Ser843Ala)

Gene: A2ML1 (alpha-2-macroglobulin like 1; plus strand). Cytogenetic location: 12p13.31.
Variant type: single nucleotide variant.
Coding change: c.2527T>G on transcript NM_144670.6 (MANE Select); coding-DNA position 2527, T replaced by G.
Protein change: p.Ser843Ala; replaces serine 843 with alanine.
Molecular consequence: missense variant.
Genome position (GRCh38, 1-based): chr12:8,852,273, T>G. VCF-style: chr12-8852273-T-G. GRCh37 (hg19) VCF-style: chr12-9004869-T-G.
Other names: c.1054T>G, p.Ser352Ala (NM_001282424.3); short protein forms S352A, S843A.
Identifiers: ClinVar variation 933221 (VCV000933221.1), dbSNP rs1943919317, ClinGen allele CA383833683.